The following is an entry in ClinVar:

ClinVar aggregate classification (germline): Uncertain significance (1 of 4 stars; one submission).

Allele frequency attached by ClinVar (database versions not stated): gnomAD exomes below 0.00001.
gnomAD v4.1: 1 of 1,612,470 alleles (0.000062%); highest among the groups gnomAD compares: Non-Finnish European, 0.000085%; no homozygotes.

Submission:

CeGaT Center for Human Genetics Tuebingen
Classification: Uncertain significance. Last evaluated: 2024-03-01. Review status: criteria provided, single submitter. Criteria: CeGaT Center For Human Genetics Tuebingen Variant Classification Criteria Version 2. Collection method: clinical testing. Allele origin: germline. Affected: yes. Observed: 1 variant allele.
Comment: NIPBL: PM2

NM_133433.4(NIPBL):c.3962C>G (p.Pro1321Arg)

Gene: NIPBL (NIPBL cohesin loading factor; plus strand). Cytogenetic location: 5p13.2.
Variant type: single nucleotide variant.
Coding change: c.3962C>G on transcript NM_133433.4 (MANE Select); coding-DNA position 3962, C replaced by G.
Protein change: p.Pro1321Arg; replaces proline 1321 with arginine.
Molecular consequence: missense variant.
Genome position (GRCh38, 1-based): chr5:37,006,463, C>G. VCF-style: chr5-37006463-C-G. GRCh37 (hg19) VCF-style: chr5-37006565-C-G.
Other names: c.3962C>G, p.Pro1321Arg (NM_015384.5); short protein forms P1321R.
Identifiers: ClinVar variation 3067774 (VCV003067774.21), dbSNP rs2478147269, ClinGen allele CA359524192.
Genomic context (GRCh38, chr5:37,006,463, plus strand): 5'-TGGAGAGAGTTACAAAATCAGCGGATGCTTGTCTTACAACTATCAACATTATGACATCCC[C>G]TAACATGCCAAAAGCTGTGTACATTGAGGATGTAATTGAAAGAGTTATACAGTACACTAA-3'
Protein context (NP_597677.2, residues 1311-1331): CLTTINIMTS[Pro1321Arg]NMPKAVYIED